The following is an entry in ClinVar:

NM_058172.6(ANTXR2):c.1347+9C>T

Gene: ANTXR2 (ANTXR cell adhesion molecule 2; minus strand). Cytogenetic location: 4q21.21.
Variant type: single nucleotide variant.
Coding change: c.1347+9C>T on transcript NM_058172.6 (MANE Select); 9 bases into the intron after coding-DNA position 1347, C replaced by T.
Molecular consequence: intron variant.
Genome position (GRCh38, 1-based): chr4:79,977,998, G>A on the plus strand (C>T on the coding strand, the complement: ANTXR2 is on the minus strand). VCF-style: chr4-79977998-G-A. GRCh37 (hg19) VCF-style: chr4-80899152-G-A.
Other names: c.1116+9C>T (NM_001286780.2, NM_001286781.2); c.1347+9C>T (NM_001145794.2).
Identifiers: ClinVar variation 349873 (VCV000349873.13), dbSNP rs112023055, ClinGen allele CA2981641.

ClinVar aggregate classification (germline): Conflicting classifications of pathogenicity. Review status: criteria provided, conflicting classifications (1 of 4 stars). 4 submissions from 4 submitters: Uncertain significance (1); Likely benign (2). 1 of the submissions does not count toward it. Last evaluated 2026-01-18.

Conditions:
Hyaline fibromatosis syndrome (HFS). Also called: Hyalinosis, Inherited Systemic; HYALINOSIS, SYSTEMIC. Identifiers: Orphanet 2028, Orphanet 498474, MedGen C5574677, MONDO:0009229, OMIM 228600.
ANTXR2-related disorder. Also called: ANTXR2-related condition.

Allele frequency attached by ClinVar (database versions not stated): 1000 Genomes Project 30x 0.00016; ESP Exome Variant Server 0.00017; 1000 Genomes Project 0.00020; ExAC 0.00040; gnomAD exomes 0.00042 and 0.00084; TOPMed 0.00046; gnomAD 0.00051 and 0.00052.
gnomAD v4.1: 1,251 of 1,574,168 alleles (0.079%); highest among the groups gnomAD compares: Non-Finnish European, 0.1%; no homozygotes.

Submissions (4):

Labcorp Genetics (formerly Invitae), Labcorp
Classification: Likely benign. Last evaluated: 2026-01-18. Review status: criteria provided, single submitter. Criteria: Invitae Variant Classification Sherloc (09022015). Collection method: clinical testing. Allele origin: germline.

Blueprint Genetics
Classification: Likely benign. Last evaluated: 2024-11-21. Review status: criteria provided, single submitter. Criteria: ACMG Guidelines, 2015. Collection method: clinical testing. Allele origin: germline.

Illumina Laboratory Services, Illumina
Classification: Uncertain significance for Hyaline fibromatosis syndrome. Last evaluated: 2018-01-12. Review status: criteria provided, single submitter. Criteria: ICSL Variant Classification Criteria 13 December 2019. Collection method: clinical testing. Allele origin: germline.

PreventionGenetics, part of Exact Sciences
Classification: Likely benign for ANTXR2-related condition. Last evaluated: 2019-05-23. Review status: no assertion criteria provided. Collection method: clinical testing. Allele origin: germline. Not counted in ClinVar's aggregate classification.
Comment: This variant is classified as likely benign based on ACMG/AMP sequence variant interpretation guidelines (Richards et al. 2015 PMID: 25741868, with internal and published modifications).